The following is an entry in ClinVar:

NM_005732.4(RAD50):c.2819C>G (p.Ala940Gly)

Gene: RAD50 (RAD50 double strand break repair protein; plus strand). Cytogenetic location: 5q31.1.
Variant type: single nucleotide variant.
Coding change: c.2819C>G on transcript NM_005732.4 (MANE Select); coding-DNA position 2819, C replaced by G.
Protein change: p.Ala940Gly; replaces alanine 940 with glycine.
Molecular consequence: missense variant.
Genome position (GRCh38, 1-based): chr5:132,608,715, C>G. VCF-style: chr5-132608715-C-G. GRCh37 (hg19) VCF-style: chr5-131944407-C-G.
Other names: short protein forms A940G.
Identifiers: ClinVar variation 1717763 (VCV001717763.6), dbSNP rs1388640812, ClinGen allele CA360959207.

ClinVar aggregate classification (germline): Uncertain significance (1 of 4 stars; one submission).

Conditions:
Hereditary cancer-predisposing syndrome. Also called: Hereditary neoplastic syndrome; Neoplastic Syndromes, Hereditary; Hereditary Cancer Syndrome; Tumor predisposition. Identifiers: Orphanet 140162, MedGen C0027672, MeSH D009386, MONDO:0015356.

Allele frequency attached by ClinVar (database versions not stated): gnomAD exomes below 0.00001.
gnomAD v4.1: 1 of 1,583,202 alleles (0.000063%); highest among the groups gnomAD compares: East Asian, 0.0023%; no homozygotes.

Submission:

Labcorp Genetics (formerly Invitae), Labcorp
Classification: Uncertain significance for Hereditary cancer-predisposing syndrome. Last evaluated: 2022-08-22. Review status: criteria provided, single submitter. Criteria: Invitae Variant Classification Sherloc (09022015). Collection method: clinical testing. Allele origin: germline.
Comment: In summary, the available evidence is currently insufficient to determine the role of this variant in disease. Therefore, it has been classified as a Variant of Uncertain Significance. Algorithms developed to predict the effect of missense changes on protein structure and function (SIFT, PolyPhen-2, Align-GVGD) all suggest that this variant is likely to be tolerated. This variant has not been reported in the literature in individuals affected with RAD50-related conditions. This variant is not present in population databases (gnomAD no frequency). This sequence change replaces alanine, which is neutral and non-polar, with glycine, which is neutral and non-polar, at codon 940 of the RAD50 protein (p.Ala940Gly).